The following is an entry in ClinVar:

ClinVar aggregate classification (germline): Pathogenic (1 of 4 stars; one submission).

Submission:

ISCA Site 6
Classification: Pathogenic. Last evaluated: 2011-08-12. Review status: criteria provided, single submitter. Criteria: Kaminsky et al. (Genet Med. 2011). Collection method: clinical testing. Allele origin: unknown. Affected: yes. Observed: 1 variant allele.
Comment: Copy number variation identified through the course of routine clinical cytogenomic testing in postnatal populations. Clinical assertions have been curated as described in Kaminsky et al. 2011.

GRCh38/hg38 17p13.3(chr17:193307-1376276)x1

Genes: ABR (ABR activator of RhoGEF and GTPase; minus strand), ABR-AS1 (ABR antisense RNA 1; plus strand), BHLHA9 (basic helix-loop-helix family member a9; plus strand), GEMIN4 (gem nuclear organelle associated protein 4; minus strand), GLOD4 (glyoxalase domain containing 4; minus strand) and 53 more. Cytogenetic location: 17p13.3.
Variant type: copy number loss.
Change: copy number 1 (one copy instead of two) of chr17:193,307-1,376,276 (1.18 Mb, GRCh38 coordinates, 1-based), cytogenetic band 17p13.3.
Identifiers: ClinVar variation 59543 (VCV000059543.2).